The following is an entry in ClinVar:

NM_006642.5(SDCCAG8):c.1453del (p.Asp485fs)

Gene: SDCCAG8 (SHH signaling and ciliogenesis regulator SDCCAG8; plus strand). Cytogenetic location: 1q43.
Variant type: Deletion.
Coding change: c.1453del on transcript NM_006642.5 (MANE Select); coding-DNA position 1453, one base deleted (G; older notation c.1453delG).
Protein change: p.Asp485fs; shifts the reading frame from aspartic acid 485.
Molecular consequence: frameshift variant.
Genome position (GRCh38, 1-based): chr1:243,344,311, G deleted; the last of 3 consecutive G bases (chr1:243,344,309-243,344,311); deleting any one gives the same sequence. VCF-style (leftmost placement, unchanged base first): chr1-243344308-AG-A. GRCh37 (hg19) VCF-style: chr1-243507610-AG-A.
Other names: c.550del, p.Asp184fs (NM_001350246.2, NM_001350247.2, NM_001350251.2); c.1549del, p.Asp517fs (NM_001350248.2); c.1159del, p.Asp387fs (NM_001350249.2); short protein forms D184fs, D387fs, D485fs, D517fs.
Identifiers: ClinVar variation 3349222 (VCV003349222.1).

ClinVar aggregate classification (germline): Likely pathogenic (0 of 4 stars; one submission).

Conditions:
SDCCAG8-related disorder. Also called: SDCCAG8-Related Disorders; SDCCAG8-related condition.

Submission:

PreventionGenetics, part of Exact Sciences
Classification: Likely pathogenic for SDCCAG8-related condition. Last evaluated: 2024-05-08. Review status: no assertion criteria provided. Collection method: clinical testing. Allele origin: germline.
Comment: The SDCCAG8 c.1453delG variant is predicted to result in a frameshift and premature protein termination (p.Asp485Ilefs*9). To our knowledge, this variant has not been reported in the literature or in a large population database, indicating this variant is rare. Frameshift variants in SDCCAG8 are expected to be pathogenic. This variant is interpreted as likely pathogenic.